The following is an entry in ClinVar:

NM_001206999.2(CIT):c.3486+7G>A

Gene: CIT (citron rho-interacting serine/threonine kinase; minus strand). Cytogenetic location: 12q24.23.
Variant type: single nucleotide variant.
Coding change: c.3486+7G>A on transcript NM_001206999.2 (MANE Select); 7 bases into the intron after coding-DNA position 3486, G replaced by A.
Molecular consequence: intron variant.
Genome position (GRCh38, 1-based): chr12:119,730,488, C>T on the plus strand (G>A on the coding strand, the complement: CIT is on the minus strand). VCF-style: chr12-119730488-C-T. GRCh37 (hg19) VCF-style: chr12-120168293-C-T.
Other names: c.3360+7G>A (NM_007174.3).
Identifiers: ClinVar variation 3039761 (VCV003039761.2), dbSNP rs779412220, ClinGen allele CA6821506.

ClinVar aggregate classification (germline): Likely benign (0 of 4 stars; one submission).

Conditions:
CIT-related disorder. Also called: CIT-related condition.

Allele frequency attached by ClinVar (database versions not stated): TOPMed 0.00001; gnomAD 0.00002; ExAC 0.00003; gnomAD exomes 0.00003.
gnomAD v4.1: 44 of 1,607,054 alleles (0.0027%); highest among the groups gnomAD compares: Middle Eastern, 0.033%; no homozygotes.

Submission:

PreventionGenetics, part of Exact Sciences
Classification: Likely benign for CIT-related condition. Last evaluated: 2019-09-26. Review status: no assertion criteria provided. Collection method: clinical testing. Allele origin: germline.
Comment: This variant is classified as likely benign based on ACMG/AMP sequence variant interpretation guidelines (Richards et al. 2015 PMID: 25741868, with internal and published modifications).